The following is an entry in ClinVar:

ClinVar aggregate classification (germline): Pathogenic/Likely pathogenic. Review status: criteria provided, multiple submitters, no conflicts (2 of 4 stars). 2 submissions from 2 submitters: Pathogenic (1); Likely pathogenic (1). Last evaluated 2024-07-17.

Conditions:
Hereditary cancer-predisposing syndrome. Also called: Neoplastic Syndromes, Hereditary; Tumor predisposition; Hereditary Cancer Syndrome; Hereditary neoplastic syndrome. Identifiers: Orphanet 140162, MedGen C0027672, MeSH D009386, MONDO:0015356.
Lynch syndrome 4 (LYNCH4). Also called: Colorectal cancer, hereditary nonpolyposis, type 4; Hereditary non-polyposis colorectal cancer, type 4. Identifiers: Orphanet 144, MedGen C1838333, MONDO:0013699, OMIM 614337. Disease mechanism: loss of function.

Allele frequency attached by ClinVar (database versions not stated): gnomAD exomes below 0.00001.
gnomAD v4.1: 1 of 1,429,714 alleles (0.00007%); highest among the groups gnomAD compares: South Asian, 0.0012%; no homozygotes.

Submissions (2):

Ambry Genetics
Classification: Pathogenic for Hereditary cancer-predisposing syndrome. Last evaluated: 2024-07-17. Review status: criteria provided, single submitter. Criteria: Ambry Variant Classification Scheme 2023. Collection method: clinical testing. Allele origin: germline.
Comment: The c.803+2T>G intronic pathogenic mutation results from a T to G substitution two nucleotides after coding exon 7 in the PMS2 gene. This variant is considered to be rare based on population cohorts in the Genome Aggregation Database (gnomAD). This nucleotide position is highly conserved in available vertebrate species. In addition to the clinical data presented, alterations that disrupt the canonical splice site are expected to cause aberrant splicing, resulting in an abnormal protein or a transcript that is subject to nonsense-mediated mRNA decay. As such, this alteration is classified as a disease-causing mutation.

Myriad Genetics, Inc.
Classification: Likely pathogenic for Lynch syndrome 4. Last evaluated: 2023-09-19. Review status: criteria provided, single submitter. Criteria: Myriad Autosomal Dominant, Autosomal Recessive and X-Linked Classification Criteria (2023). Collection method: clinical testing. Allele origin: unknown.
Comment: This variant is considered likely pathogenic. This variant occurs within a consensus splice junction and is predicted to result in abnormal mRNA splicing of either an out-of-frame exon or an in-frame exon necessary for protein stability and/or normal function.

NM_000535.7(PMS2):c.803+2T>G

Gene: PMS2 (PMS1 homolog 2, mismatch repair system component; minus strand). Cytogenetic location: 7p22.1.
Variant type: single nucleotide variant.
Coding change: c.803+2T>G on transcript NM_000535.7 (MANE Select); the canonical splice donor site of the intron after coding-DNA position 803, T replaced by G.
Molecular consequence: splice donor variant. On other transcripts: intron variant (3).
Genome position (GRCh38, 1-based): chr7:5,997,324, A>C on the plus strand (T>G on the coding strand, the complement: PMS2 is on the minus strand). VCF-style: chr7-5997324-A-C. GRCh37 (hg19) VCF-style: chr7-6036955-A-C.
Other names: c.485+2T>G (NM_001322008.2, NM_001406902.1, NM_001406883.1 and 4 more transcripts); c.494+2T>G (NM_001406881.1, NM_001406879.1, NM_001322015.2 and 6 more transcripts); c.398+2T>G (NM_001406895.1, NM_001322010.2, NM_001322004.2 and 19 more transcripts); c.132+5129T>G (NM_001406911.1); c.290+2T>G (NM_001406904.1, NM_001406905.1); c.230+2T>G (NM_001322013.2, NM_001406909.1); c.-131+2T>G (NM_001322012.2, NM_001322011.2); c.467+2T>G (NM_001406885.1); and 7 more.
Identifiers: ClinVar variation 1761741 (VCV001761741.4), dbSNP rs2128786265, ClinGen allele CA366743594.
Genomic context (GRCh38, chr7:5,997,324, plus strand): 5'-TAAAAAAAAAGCTCTCAGGATAAAATGTTCAATTGTAGTTCTCTTGCCAGCAATCTACTT[A>C]CTAAAAAAGATTATGCAGAGCATCGGAACAGCTCAAACCGTACTCTTCACACACGGAGTC-3'